The following is an entry in ClinVar:

ClinVar aggregate classification (germline): Uncertain significance (1 of 4 stars; one submission).

Submission:

GeneDx
Classification: Uncertain significance. Last evaluated: 2024-10-03. Review status: criteria provided, single submitter. Criteria: GeneDx Variant Classification Process June 2021. Collection method: clinical testing. Allele origin: germline. Affected: yes.
Comment: Not observed at significant frequency in large population cohorts (gnomAD); In silico analysis supports that this missense variant has a deleterious effect on protein structure/function; Has not been previously published as pathogenic or benign to our knowledge

NM_001003694.2(BRPF1):c.911G>A (p.Cys304Tyr)

Gene: BRPF1 (bromodomain and PHD finger containing 1; plus strand). Cytogenetic location: 3p25.3.
Variant type: single nucleotide variant.
Coding change: c.911G>A on transcript NM_001003694.2 (MANE Select); coding-DNA position 911, G replaced by A.
Protein change: p.Cys304Tyr; replaces cysteine 304 with tyrosine.
Molecular consequence: missense variant. On other transcripts: non-coding transcript variant (1).
Genome position (GRCh38, 1-based): chr3:9,739,310, G>A. VCF-style: chr3-9739310-G-A. GRCh37 (hg19) VCF-style: chr3-9780994-G-A.
Other names: c.911G>A, p.Cys304Tyr (NM_001319049.2, NM_001319050.2, NM_001410704.1 and 1 more transcripts); short protein forms C304Y.
Identifiers: ClinVar variation 3776448 (VCV003776448.1).